The following is an entry in ClinVar:

NM_033004.4(NLRP1):c.346G>A (p.Val116Met)

Gene: NLRP1 (NLR family pyrin domain containing 1; minus strand). Cytogenetic location: 17p13.2.
Variant type: single nucleotide variant.
Coding change: c.346G>A on transcript NM_033004.4 (MANE Select); coding-DNA position 346, G replaced by A.
Protein change: p.Val116Met; replaces valine 116 with methionine.
Molecular consequence: missense variant.
Genome position (GRCh38, 1-based): chr17:5,582,772, C>T on the plus strand (G>A on the coding strand, the complement: NLRP1 is on the minus strand). VCF-style: chr17-5582772-C-T. GRCh37 (hg19) VCF-style: chr17-5486092-C-T.
Other names: c.346G>A, p.Val116Met (NM_001033053.3, NM_014922.5, NM_033006.4 and 1 more transcripts); short protein forms V116M.
Identifiers: ClinVar variation 1350823 (VCV001350823.6), dbSNP rs2151831648, ClinGen allele CA397390176.

ClinVar aggregate classification (germline): Uncertain significance (1 of 4 stars; one submission).

Submission:

Labcorp Genetics (formerly Invitae), Labcorp
Classification: Uncertain significance. Last evaluated: 2021-12-01. Review status: criteria provided, single submitter. Criteria: Invitae Variant Classification Sherloc (09022015). Collection method: clinical testing. Allele origin: germline.
Comment: This sequence change replaces valine, which is neutral and non-polar, with methionine, which is neutral and non-polar, at codon 116 of the NLRP1 protein (p.Val116Met). This variant is not present in population databases (gnomAD no frequency). This variant has not been reported in the literature in individuals affected with NLRP1-related conditions. Algorithms developed to predict the effect of missense changes on protein structure and function (SIFT, PolyPhen-2, Align-GVGD) all suggest that this variant is likely to be tolerated. In summary, the available evidence is currently insufficient to determine the role of this variant in disease. Therefore, it has been classified as a Variant of Uncertain Significance.